The following is an entry in ClinVar:

NM_004360.5(CDH1):c.2074G>A (p.Ala692Thr)

Gene: CDH1 (cadherin 1; plus strand). Cytogenetic location: 16q22.1.
Variant type: single nucleotide variant.
Coding change: c.2074G>A on transcript NM_004360.5 (MANE Select); coding-DNA position 2074, G replaced by A.
Protein change: p.Ala692Thr; replaces alanine 692 with threonine.
Molecular consequence: missense variant.
Genome position (GRCh38, 1-based): chr16:68,823,536, G>A. VCF-style: chr16-68823536-G-A. GRCh37 (hg19) VCF-style: chr16-68857439-G-A.
Other names: c.1891G>A, p.Ala631Thr (NM_001317184.2); c.526G>A, p.Ala176Thr (NM_001317185.2); c.109G>A, p.Ala37Thr (NM_001317186.2); c.2074G>A (LRG_301t1); short protein forms A692T, A176T, A631T, A37T.
Identifiers: ClinVar variation 133848 (VCV000133848.26), dbSNP rs376854556, ClinGen allele CA157957.

ClinVar aggregate classification (germline): Conflicting classifications of pathogenicity. Review status: criteria provided, conflicting classifications (1 of 4 stars). 9 submissions from 9 submitters: Uncertain significance (7); Likely benign (1). 1 of the submissions does not count toward it. Last evaluated 2026-01-28.

Conditions:
CDH1-related disorder. Also called: CDH1-related condition.
Familial cancer of breast. Also called: hereditary breast carcinoma; Hereditary breast cancer; BREAST CANCER, FAMILIAL. Identifiers: Orphanet 227535, MedGen C0346153, MONDO:0016419, OMIM 114480. Disease mechanism: loss of function.
Ovarian cancer. Also called: OVARIAN CANCER, SOMATIC. Identifiers: Orphanet 213500, MedGen C1140680, MONDO:0008170, OMIM 167000.
Hereditary cancer-predisposing syndrome. Also called: Neoplastic Syndromes, Hereditary; Tumor predisposition; Hereditary Cancer Syndrome; Hereditary neoplastic syndrome. Identifiers: Orphanet 140162, MedGen C0027672, MeSH D009386, MONDO:0015356.
Hereditary diffuse gastric adenocarcinoma (HDGC). Also called: DIFFUSE GASTRIC AND LOBULAR BREAST CANCER SYNDROME. Identifiers: Orphanet 26106, MedGen C1708349, MONDO:0007648, OMIM 137215.

Allele frequency attached by ClinVar (database versions not stated): gnomAD exomes 0.00001 and 0.00002; gnomAD 0.00003; ExAC 0.00004; ESP Exome Variant Server 0.00008.
gnomAD v4.1: 25 of 1,613,844 alleles (0.0015%); highest among the groups gnomAD compares: South Asian, 0.011%; no homozygotes.

Submissions (9):

PreventionGenetics, part of Exact Sciences
Classification: Uncertain significance for CDH1-related condition. Last evaluated: 2026-01-28. Review status: criteria provided, single submitter. Criteria: ACMG Guidelines, 2015. Collection method: clinical testing. Allele origin: germline.
Comment: The CDH1 c.2074G>A variant is predicted to result in the amino acid substitution p.Ala692Thr. This variant was reported in an individual with colorectal cancer (Pearlman et al. 2017. PubMed ID: 27978560). This variant is reported in 0.013% of alleles in individuals of South Asian descent in gnomAD and has conflicting interpretations in ClinVar ranging from likely benign to uncertain (Variation ID: 133848). At this time, the clinical significance of this variant is uncertain due to the absence of conclusive functional and genetic evidence.

Labcorp Genetics (formerly Invitae), Labcorp
Classification: Uncertain significance for Hereditary diffuse gastric adenocarcinoma. Last evaluated: 2026-01-11. Review status: criteria provided, single submitter. Criteria: Invitae Variant Classification Sherloc (09022015). Collection method: clinical testing. Allele origin: germline.
Comment: This sequence change replaces alanine, which is neutral and non-polar, with threonine, which is neutral and polar, at codon 692 of the CDH1 protein (p.Ala692Thr). This variant is present in population databases (rs376854556, gnomAD 0.01%). This missense change has been observed in individual(s) with colorectal cancer (PMID: 27978560). ClinVar contains an entry for this variant (Variation ID: 133848). An algorithm developed to predict the effect of missense changes on protein structure and function outputs the following: PolyPhen-2: "Benign". The threonine amino acid residue is found in multiple mammalian species, which suggests that this missense change does not adversely affect protein function. In summary, the available evidence is currently insufficient to determine the role of this variant in disease. Therefore, it has been classified as a Variant of Uncertain Significance.

Ambry Genetics
Classification: Likely benign for Hereditary cancer-predisposing syndrome. Last evaluated: 2025-02-21. Review status: criteria provided, single submitter. Criteria: Ambry Variant Classification Scheme 2023. Collection method: clinical testing. Allele origin: germline.

Color Diagnostics, LLC DBA Color Health
Classification: Uncertain significance for Hereditary cancer-predisposing syndrome. Last evaluated: 2024-09-16. Review status: criteria provided, single submitter. Criteria: ACMG Guidelines, 2015. Collection method: clinical testing. Allele origin: germline.
Comment: This missense variant replaces alanine with threonine at codon 692 of the CDH1 protein. To our knowledge, functional studies have not been reported for this variant. This variant has been reported in an individual affected with early-onset colorectal cancer (PMID: 27978560). This variant has been identified in 7/277130 chromosomes in the general population by the Genome Aggregation Database (gnomAD). The available evidence is insufficient to determine the role of this variant in disease conclusively. Therefore, this variant is classified as a Variant of Uncertain Significance.

Department of Pathology and Laboratory Medicine, Sinai Health System
Classification: Uncertain significance for Familial cancer of breast; Ovarian cancer. Last evaluated: 2022-11-21. Review status: criteria provided, single submitter. Criteria: ACMG Guidelines, 2015. Collection method: clinical testing. Allele origin: germline. Affected: yes.

Mendelics
Classification: Uncertain significance for Hereditary diffuse gastric adenocarcinoma. Last evaluated: 2019-05-28. Review status: criteria provided, single submitter. Criteria: Mendelics Assertion Criteria 2017. Collection method: clinical testing. Allele origin: unknown.

GeneDx
Classification: Uncertain significance. Last evaluated: 2018-08-07. Review status: criteria provided, single submitter. Criteria: GeneDx Variant Classification (06012015). Collection method: clinical testing. Allele origin: germline. Affected: yes.
Comment: This variant is denoted CDH1 c.2074G>A at the cDNA level, p.Ala692Thr (A692T) at the protein level, and results in the change of an Alanine to a Threonine (GCT>ACT). CDH1 Ala692Thr was not observed at a significant allele frequency in large population cohorts (Lek 2016). This variant is located in the extracelluar domain Cadherin 5 (Brooks-Wilson 2004, Figueiredo 2013). In silico analysis, which includes protein predictors and evolutionary conservation, supports that this variant does not alter protein structure/function. Based on currently available evidence, it is unclear whether CDH1 Ala692Thr is a pathogenic or benign variant. We consider it to be a variant of uncertain significance.

Neuberg Centre For Genomic Medicine, NCGM
Classification: Uncertain significance for Hereditary diffuse gastric adenocarcinoma. Review status: criteria provided, single submitter. Criteria: ACMG Guidelines, 2015. Collection method: clinical testing. Allele origin: germline. Inheritance: Autosomal dominant inheritance. Affected: yes.

ITMI
No classification provided. Condition: AllHighlyPenetrant. Last evaluated: 2013-09-19. Review status: no classification provided. Collection method: reference population. Allele origin: germline. Not counted in ClinVar's aggregate classification.
Comment: Please see associated publication for description of ethnicities

Literature cited by the submitters: PubMed 27978560 (cited by 4 submitters); PubMed 24728327 (cited by ITMI).